The following is an entry in ClinVar:

ClinVar aggregate classification (germline): Uncertain significance (1 of 4 stars; one submission).

Conditions:
Malignant hyperthermia, susceptibility to, 5 (MHS5). Also called: CACNA1S-Related Malignant Hyperthermia Susceptibility. Identifiers: Orphanet 423, MedGen C1866077, MONDO:0011163, OMIM 601887.

Submission:

Color Diagnostics, LLC DBA Color Health
Classification: Uncertain significance for Malignant hyperthermia, susceptibility to, 5. Last evaluated: 2025-05-30. Review status: criteria provided, single submitter. Criteria: ACMG Guidelines, 2015. Collection method: clinical testing. Allele origin: germline.
Comment: This missense variant replaces leucine with valine at codon 1337 of the CACNA1S protein. Computational prediction suggests that this variant may not impact protein structure and function. To our knowledge, functional studies have not been reported for this variant. This variant has not been reported in individuals affected with CACNA1S-related disorders in the literature. This variant has not been identified in the general population by the Genome Aggregation Database (gnomAD). The available evidence is insufficient to determine the role of this variant in disease conclusively. Therefore, this variant is classified as a Variant of Uncertain Significance.

NM_000069.3(CACNA1S):c.4009C>G (p.Leu1337Val)

Gene: CACNA1S (calcium voltage-gated channel subunit alpha1 S; minus strand). Cytogenetic location: 1q32.1.
Variant type: single nucleotide variant.
Coding change: c.4009C>G on transcript NM_000069.3 (MANE Select); coding-DNA position 4009, C replaced by G.
Protein change: p.Leu1337Val; replaces leucine 1337 with valine.
Molecular consequence: missense variant.
Genome position (GRCh38, 1-based): chr1:201,051,088, G>C on the plus strand (C>G on the coding strand, the complement: CACNA1S is on the minus strand). VCF-style: chr1-201051088-G-C. GRCh37 (hg19) VCF-style: chr1-201020216-G-C.
Other names: short protein forms L1337V.
Identifiers: ClinVar variation 4756754 (VCV004756754.1).